The following is an entry in ClinVar:

ClinVar aggregate classification (germline): Uncertain significance (1 of 4 stars; one submission).

Conditions:
Leigh syndrome (NULS). Also called: Leigh's syndrome; Leigh's necrotizing encephalopathy; Leigh's disease; Leigh Syndrome (mtDNA deletion); Leigh Disease; Subacute necrotizing encephalopathy. Identifiers: Orphanet 506, MedGen C2931891, MONDO:0009723, OMIM 256000.

Allele frequency attached by ClinVar (database versions not stated): gnomAD exomes below 0.00001; gnomAD 0.00003.

Submission:

Labcorp Genetics (formerly Invitae), Labcorp
Classification: Uncertain significance for Leigh syndrome. Last evaluated: 2022-01-28. Review status: criteria provided, single submitter. Criteria: Invitae Variant Classification Sherloc (09022015). Collection method: clinical testing. Allele origin: germline.
Comment: In summary, the available evidence is currently insufficient to determine the role of this variant in disease. Therefore, it has been classified as a Variant of Uncertain Significance. Algorithms developed to predict the effect of sequence changes on RNA splicing suggest that this variant may disrupt the consensus splice site. ClinVar contains an entry for this variant (Variation ID: 526790). This variant has not been reported in the literature in individuals affected with SURF1-related conditions. This variant is present in population databases (no rsID available, gnomAD 0.0009%). This sequence change falls in intron 7 of the SURF1 gene. It does not directly change the encoded amino acid sequence of the SURF1 protein.

NM_003172.4(SURF1):c.752-4dup

Gene: SURF1 (SURF1 cytochrome c oxidase assembly factor; minus strand). Cytogenetic location: 9q34.2.
Variant type: Duplication.
Coding change: c.752-4dup on transcript NM_003172.4 (MANE Select); 4 bases into the intron before coding-DNA position 752, one base duplicated (A; older notation c.752-4dupA).
Molecular consequence: intron variant.
Genome position (GRCh38, 1-based): chr9:133,352,146, T duplicated on the plus strand (A on the coding strand, the reverse complement: SURF1 is on the minus strand). VCF-style (leftmost placement, unchanged base first): chr9-133352145-G-GT. GRCh37 (hg19) VCF-style: chr9-136219000-G-GT.
Other names: c.425-4dup (NM_001280787.1); c.752-4dupA (NM_003172.3).
Identifiers: ClinVar variation 526790 (VCV000526790.8), dbSNP rs1159512660, ClinGen allele CA658797340.
Genomic context (GRCh38, chr9:133,352,145, plus strand): 5'-TCGTTCCTCAGAGTAACTCTGGTTTGCCCTCCAATGGGTCCTCCAGGGACTGTGCTCTCT[G>GT]TGGAGACAGCAGACTCAAGTCCACCCCCTACTGGCCTGCCAGCCTCTGCACCACTTCCTA-3'